The following is an entry in ClinVar:

NM_003793.4(CTSF):c.19C>T (p.Leu7Phe)

Gene: CTSF (cathepsin F; minus strand). Cytogenetic location: 11q13.2.
Variant type: single nucleotide variant.
Coding change: c.19C>T on transcript NM_003793.4 (MANE Select); coding-DNA position 19, C replaced by T.
Protein change: p.Leu7Phe; replaces leucine 7 with phenylalanine.
Molecular consequence: missense variant.
Genome position (GRCh38, 1-based): chr11:66,568,468, G>A on the plus strand (C>T on the coding strand, the complement: CTSF is on the minus strand). VCF-style: chr11-66568468-G-A. GRCh37 (hg19) VCF-style: chr11-66335939-G-A.
Other names: short protein forms L7F.
Identifiers: ClinVar variation 585732 (VCV000585732.11), dbSNP rs544669445, ClinGen allele CA224083422.
Genomic context (GRCh38, chr11:66,568,468, plus strand): 5'-CGGCTCGGGGCTGGGCGGGGGCGGCCACTGCGCCCGGGAGCAGCCCCAGCAGCGACAGGA[G>A]CTGCAGCCAGGGCGCCATGGCGAGGGCGAAGCCGGCGGCCCGGACCCAACAGACGCTCCA-3'
Protein context (NP_003784.2, residues 1-17): MAPWLQ[Leu7Phe]LSLLGLLPGA

ClinVar aggregate classification (germline): Uncertain significance. Review status: criteria provided, multiple submitters, no conflicts (2 of 4 stars). 4 submissions from 4 submitters: Uncertain significance (4). Last evaluated 2025-01-18.

Conditions:
Neuronal ceroid lipofuscinosis 13 (CLN13). Also called: CEROID LIPOFUSCINOSIS, NEURONAL, 13 (KUFS TYPE); CLN13 Disease. Identifiers: Orphanet 352709, Orphanet 79262, MedGen C3715049, MONDO:0014147, OMIM 615362.
Inborn genetic diseases. Identifiers: MedGen C0950123, MeSH D030342.

Allele frequency attached by ClinVar (database versions not stated): gnomAD exomes 0.00016; gnomAD 0.00019; TOPMed 0.00019; 1000 Genomes Project 0.00020; 1000 Genomes Project 30x 0.00031.

Submissions (4):

Ambry Genetics
Classification: Uncertain significance for Inborn genetic diseases. Last evaluated: 2025-01-18. Review status: criteria provided, single submitter. Criteria: Ambry Variant Classification Scheme 2023. Collection method: clinical testing. Allele origin: germline.

GeneDx
Classification: Uncertain significance. Last evaluated: 2024-09-05. Review status: criteria provided, single submitter. Criteria: GeneDx Variant Classification Process June 2021. Collection method: clinical testing. Allele origin: germline. Affected: yes.
Comment: In silico analysis indicates that this missense variant does not alter protein structure/function; Has not been previously published as pathogenic or benign to our knowledge

Labcorp Genetics (formerly Invitae), Labcorp
Classification: Uncertain significance for Neuronal ceroid lipofuscinosis 13. Last evaluated: 2022-07-06. Review status: criteria provided, single submitter. Criteria: Invitae Variant Classification Sherloc (09022015). Collection method: clinical testing. Allele origin: germline.
Comment: This sequence change replaces leucine, which is neutral and non-polar, with phenylalanine, which is neutral and non-polar, at codon 7 of the CTSF protein (p.Leu7Phe). This variant is present in population databases (rs544669445, gnomAD 0.07%). This variant has not been reported in the literature in individuals affected with CTSF-related conditions. ClinVar contains an entry for this variant (Variation ID: 585732). Algorithms developed to predict the effect of missense changes on protein structure and function are either unavailable or do not agree on the potential impact of this missense change (SIFT: "Deleterious"; PolyPhen-2: "Not Available"; Align-GVGD: "Class C0"). In summary, the available evidence is currently insufficient to determine the role of this variant in disease. Therefore, it has been classified as a Variant of Uncertain Significance.

Athena Diagnostics
Classification: Uncertain significance. Last evaluated: 2017-11-13. Review status: criteria provided, single submitter. Criteria: Athena Diagnostics Criteria. Collection method: clinical testing. Allele origin: germline.